The following is an entry in ClinVar:

NM_020366.4(RPGRIP1):c.1802C>G (p.Ser601Trp)

Gene: RPGRIP1 (RPGR interacting protein 1; plus strand). Cytogenetic location: 14q11.2.
Variant type: single nucleotide variant.
Coding change: c.1802C>G on transcript NM_020366.4 (MANE Select); coding-DNA position 1802, C replaced by G.
Protein change: p.Ser601Trp; replaces serine 601 with tryptophan.
Molecular consequence: missense variant. On other transcripts: intron variant (3).
Genome position (GRCh38, 1-based): chr14:21,324,657, C>G. VCF-style: chr14-21324657-C-G. GRCh37 (hg19) VCF-style: chr14-21792816-C-G.
Other names: c.728C>G, p.Ser243Trp (NM_001377948.1, NM_001377949.1); c.688+2653C>G (NM_001377523.1, NM_001377950.1); c.190+2653C>G (NM_001377951.1); short protein forms S243W, S601W.
Identifiers: ClinVar variation 933850 (VCV000933850.8), dbSNP rs3748360, ClinGen allele CA7089099.

ClinVar aggregate classification (germline): Uncertain significance. Review status: criteria provided, multiple submitters, no conflicts (2 of 4 stars). 2 submissions from 2 submitters: Uncertain significance (2). Last evaluated 2022-09-27.

Conditions:
Leber congenital amaurosis 6 (LCA6). Identifiers: Orphanet 65, MedGen C1854260, MONDO:0013446, OMIM 613826.
Cone-rod dystrophy 13 (CORD13). Identifiers: Orphanet 1872, MedGen C2750720, MONDO:0011987, OMIM 608194.

Allele frequency attached by ClinVar (database versions not stated): TOPMed 0.00002; 1000 Genomes Project 30x 0.00016; 1000 Genomes Project 0.00020.
gnomAD v4.1: 87 of 1,613,906 alleles (0.0054%); highest among the groups gnomAD compares: East Asian, 0.19%; no homozygotes.

Submissions (2):

Labcorp Genetics (formerly Invitae), Labcorp
Classification: Uncertain significance for Leber congenital amaurosis 6; Cone-rod dystrophy 13. Last evaluated: 2022-09-27. Review status: criteria provided, single submitter. Criteria: Invitae Variant Classification Sherloc (09022015). Collection method: clinical testing. Allele origin: germline.
Comment: This sequence change replaces serine, which is neutral and polar, with tryptophan, which is neutral and slightly polar, at codon 601 of the RPGRIP1 protein (p.Ser601Trp). This variant is present in population databases (rs3748360, gnomAD 0.03%). This missense change has been observed in individual(s) with Leber congenital amaurosis (PMID: 18682808). ClinVar contains an entry for this variant (Variation ID: 933850). Advanced modeling of protein sequence and biophysical properties (such as structural, functional, and spatial information, amino acid conservation, physicochemical variation, residue mobility, and thermodynamic stability) performed at Invitae indicates that this missense variant is expected to disrupt RPGRIP1 protein function. In summary, the available evidence is currently insufficient to determine the role of this variant in disease. Therefore, it has been classified as a Variant of Uncertain Significance.

Blueprint Genetics
Classification: Uncertain significance. Last evaluated: 2022-07-26. Review status: criteria provided, single submitter. Criteria: ACMG Guidelines, 2015. Collection method: clinical testing. Allele origin: germline.

Literature cited by the submitters: PubMed 18682808 (cited by Labcorp Genetics (formerly Invitae), Labcorp).